The following is an entry in ClinVar:

NM_006204.4(PDE6C):c.2094A>C (p.Glu698Asp)

Gene: PDE6C (phosphodiesterase 6C; plus strand). Cytogenetic location: 10q23.33.
Variant type: single nucleotide variant.
Coding change: c.2094A>C on transcript NM_006204.4 (MANE Select); coding-DNA position 2094, A replaced by C.
Protein change: p.Glu698Asp; replaces glutamic acid 698 with aspartic acid.
Molecular consequence: missense variant.
Genome position (GRCh38, 1-based): chr10:93,658,958, A>C. VCF-style: chr10-93658958-A-C. GRCh37 (hg19) VCF-style: chr10-95418715-A-C.
Other names: short protein forms E698D.
Identifiers: ClinVar variation 1475522 (VCV001475522.8), dbSNP rs2133877245, ClinGen allele CA377624795.

ClinVar aggregate classification (germline): Uncertain significance (1 of 4 stars; one submission).

Submission:

Labcorp Genetics (formerly Invitae), Labcorp
Classification: Uncertain significance. Last evaluated: 2024-01-02. Review status: criteria provided, single submitter. Criteria: Invitae Variant Classification Sherloc (09022015). Collection method: clinical testing. Allele origin: germline.
Comment: This sequence change replaces glutamic acid, which is acidic and polar, with aspartic acid, which is acidic and polar, at codon 698 of the PDE6C protein (p.Glu698Asp). This variant is not present in population databases (gnomAD no frequency). This variant has not been reported in the literature in individuals affected with PDE6C-related conditions. ClinVar contains an entry for this variant (Variation ID: 1475522). Algorithms developed to predict the effect of missense changes on protein structure and function output the following: SIFT: "Not Available"; PolyPhen-2: "Benign"; Align-GVGD: "Not Available". The aspartic acid amino acid residue is found in multiple mammalian species, which suggests that this missense change does not adversely affect protein function. In summary, the available evidence is currently insufficient to determine the role of this variant in disease. Therefore, it has been classified as a Variant of Uncertain Significance.